The following is an entry in ClinVar:

ClinVar aggregate classification (germline): Uncertain significance. Review status: criteria provided, multiple submitters, no conflicts (2 of 4 stars). 2 submissions from 2 submitters: Uncertain significance (2). Last evaluated 2025-01-14.

Conditions:
Inborn genetic diseases. Identifiers: MedGen C0950123, MeSH D030342.
Generalized epilepsy-paroxysmal dyskinesia syndrome (PNKD3). Also called: Paroxysmal nonkinesigenic dyskinesia, 3, with or without generalized epilepsy; Generalized epilepsy and paroxysmal dyskinesia. Identifiers: Orphanet 79137, MedGen C5574945, MONDO:0012276, OMIM 609446.

Allele frequency attached by ClinVar (database versions not stated): gnomAD exomes below 0.00001; ExAC 0.00001; TOPMed 0.00003; gnomAD 0.00004.
gnomAD v4.1: 11 of 1,602,660 alleles (0.00069%); highest among the groups gnomAD compares: African/African-American, 0.0094%; no homozygotes.

Submissions (2):

Ambry Genetics
Classification: Uncertain significance for Inborn genetic diseases. Last evaluated: 2025-01-14. Review status: criteria provided, single submitter. Criteria: Ambry Variant Classification Scheme 2023. Collection method: clinical testing. Allele origin: germline.

Labcorp Genetics (formerly Invitae), Labcorp
Classification: Uncertain significance for Generalized epilepsy-paroxysmal dyskinesia syndrome. Last evaluated: 2024-03-23. Review status: criteria provided, single submitter. Criteria: Invitae Variant Classification Sherloc (09022015). Collection method: clinical testing. Allele origin: germline.
Comment: This sequence change replaces serine, which is neutral and polar, with leucine, which is neutral and non-polar, at codon 58 of the KCNMA1 protein (p.Ser58Leu). The frequency data for this variant in the population databases is considered unreliable, as metrics indicate poor data quality at this position in the gnomAD database. This variant has not been reported in the literature in individuals affected with KCNMA1-related conditions. ClinVar contains an entry for this variant (Variation ID: 943930). An algorithm developed to predict the effect of missense changes on protein structure and function (PolyPhen-2) suggests that this variant is likely to be disruptive. In summary, the available evidence is currently insufficient to determine the role of this variant in disease. Therefore, it has been classified as a Variant of Uncertain Significance.

NM_001161352.2(KCNMA1):c.173C>T (p.Ser58Leu)

Gene: KCNMA1 (potassium calcium-activated channel subfamily M alpha 1; minus strand). Cytogenetic location: 10q22.3.
Variant type: single nucleotide variant.
Coding change: c.173C>T on transcript NM_001161352.2 (MANE Select); coding-DNA position 173, C replaced by T.
Protein change: p.Ser58Leu; replaces serine 58 with leucine.
Molecular consequence: missense variant.
Genome position (GRCh38, 1-based): chr10:77,637,470, G>A on the plus strand (C>T on the coding strand, the complement: KCNMA1 is on the minus strand). VCF-style: chr10-77637470-G-A. GRCh37 (hg19) VCF-style: chr10-79397228-G-A.
Other names: c.173C>T, p.Ser58Leu (NM_001014797.3, NM_001161353.2, NM_001271518.2 and 12 more transcripts); short protein forms S58L.
Identifiers: ClinVar variation 943930 (VCV000943930.11), dbSNP rs776719617, ClinGen allele CA5568791.